The following is an entry in ClinVar:

ClinVar aggregate classification (germline): Uncertain significance (1 of 4 stars; one submission).

Conditions:
Spastic paraplegia. Identifiers: MedGen C0037772, HP:0001258.

Allele frequency attached by ClinVar (database versions not stated): gnomAD exomes below 0.00001.
gnomAD v4.1: 1 of 1,614,136 alleles (0.000062%); highest among the groups gnomAD compares: Non-Finnish European, 0.000085%; no homozygotes.

Submission:

Labcorp Genetics (formerly Invitae), Labcorp
Classification: Uncertain significance for Spastic paraplegia. Last evaluated: 2025-10-21. Review status: criteria provided, single submitter. Criteria: Invitae Variant Classification Sherloc (09022015). Collection method: clinical testing. Allele origin: germline.
Comment: This sequence change replaces leucine, which is neutral and non-polar, with phenylalanine, which is neutral and non-polar, at codon 4 of the HSPD1 protein (p.Leu4Phe). This variant is not present in population databases (gnomAD no frequency). This variant has not been reported in the literature in individuals affected with HSPD1-related conditions. ClinVar contains an entry for this variant (Variation ID: 2700176). An algorithm developed to predict the effect of missense changes on protein structure and function (PolyPhen-2) suggests that this variant is likely to be disruptive. In summary, the available evidence is currently insufficient to determine the role of this variant in disease. Therefore, it has been classified as a Variant of Uncertain Significance.

NM_002156.5(HSPD1):c.12A>T (p.Leu4Phe)

Gene: HSPD1 (heat shock protein family D (Hsp60) member 1; minus strand). Cytogenetic location: 2q33.1.
Variant type: single nucleotide variant.
Coding change: c.12A>T on transcript NM_002156.5 (MANE Select); coding-DNA position 12, A replaced by T.
Protein change: p.Leu4Phe; replaces leucine 4 with phenylalanine.
Molecular consequence: missense variant.
Genome position (GRCh38, 1-based): chr2:197,498,837, T>A on the plus strand (A>T on the coding strand, the complement: HSPD1 is on the minus strand). VCF-style: chr2-197498837-T-A. GRCh37 (hg19) VCF-style: chr2-198363561-T-A.
Other names: c.12A>T, p.Leu4Phe (NM_199440.2); short protein forms L4F.
Identifiers: ClinVar variation 2700176 (VCV002700176.3), dbSNP rs2470126027, ClinGen allele CA350204370.